The following is an entry in ClinVar:

NM_020911.2(PLXNA4):c.2490C>A (p.Gly830=)

Gene: PLXNA4 (plexin A4; minus strand). Cytogenetic location: 7q32.3.
Variant type: single nucleotide variant.
Coding change: c.2490C>A on transcript NM_020911.2 (MANE Select); coding-DNA position 2490, C replaced by A.
Protein change: p.Gly830=; no amino-acid change (glycine 830 retained).
Molecular consequence: synonymous variant.
Genome position (GRCh38, 1-based): chr7:132,202,742, G>T on the plus strand (C>A on the coding strand, the complement: PLXNA4 is on the minus strand). VCF-style: chr7-132202742-G-T. GRCh37 (hg19) VCF-style: chr7-131887501-G-T.
Other names: c.2490C>A, p.Gly830= (NM_001393897.1).
Identifiers: ClinVar variation 3055743 (VCV003055743.2), dbSNP rs374593913, ClinGen allele CA4489785.
Genomic context (GRCh38, chr7:132,202,742, plus strand): 5'-ACCAGACAGCTCCAGCCACTGGCTCTCCTGGGCAGGGCAGTGCTGGCGCAGGGTGCACTG[G>T]CCTGGGCCCTGGCACCAGCCACATGCGAAGTCTGGGTCAGCCTTGAGGCACAGCCCGCAG-3'
Protein context (NP_065962.1, residues 820-840): DFACGWCQGP[Gly830=]QCTLRQHCPA

ClinVar aggregate classification (germline): Likely benign (0 of 4 stars; one submission).

Conditions:
PLXNA4-related disorder. Also called: PLXNA4-related condition.

Allele frequency attached by ClinVar (database versions not stated): ESP Exome Variant Server 0.00008.
gnomAD v4.1: 14 of 1,611,624 alleles (0.00087%); highest among the groups gnomAD compares: African/African-American, 0.0027%; no homozygotes.

Submission:

PreventionGenetics, part of Exact Sciences
Classification: Likely benign for PLXNA4-related condition. Last evaluated: 2022-05-26. Review status: no assertion criteria provided. Collection method: clinical testing. Allele origin: germline.
Comment: This variant is classified as likely benign based on ACMG/AMP sequence variant interpretation guidelines (Richards et al. 2015 PMID: 25741868, with internal and published modifications).